The following is an entry in ClinVar:

NM_004733.4(SLC33A1):c.988G>A (p.Val330Ile)

Gene: SLC33A1 (solute carrier family 33 member 1; minus strand). Cytogenetic location: 3q25.31.
Variant type: single nucleotide variant.
Coding change: c.988G>A on transcript NM_004733.4 (MANE Select); coding-DNA position 988, G replaced by A.
Protein change: p.Val330Ile; replaces valine 330 with isoleucine.
Molecular consequence: missense variant.
Genome position (GRCh38, 1-based): chr3:155,834,017, C>T on the plus strand (G>A on the coding strand, the complement: SLC33A1 is on the minus strand). VCF-style: chr3-155834017-C-T. GRCh37 (hg19) VCF-style: chr3-155551806-C-T.
Other names: c.988G>A, p.Val330Ile (NM_001190992.2); c.800G>A, p.Cys267Tyr (NM_001363883.1); short protein forms C267Y, V330I.
Identifiers: ClinVar variation 934581 (VCV000934581.1), dbSNP rs1449462090, ClinGen allele CA355141500.

ClinVar aggregate classification (germline): Uncertain significance (1 of 4 stars; one submission).

Conditions:
Spastic paraplegia. Identifiers: MedGen C0037772, HP:0001258.

Allele frequency attached by ClinVar (database versions not stated): gnomAD exomes below 0.00001; gnomAD 0.00001; TOPMed 0.00001.
gnomAD v4.1: 3 of 1,613,698 alleles (0.00019%); highest among the groups gnomAD compares: Non-Finnish European, 0.00025%; no homozygotes.

Submission:

Labcorp Genetics (formerly Invitae), Labcorp
Classification: Uncertain significance for Spastic paraplegia. Last evaluated: 2019-06-14. Review status: criteria provided, single submitter. Criteria: Invitae Variant Classification Sherloc (09022015). Collection method: clinical testing. Allele origin: germline.
Comment: This sequence change replaces valine with isoleucine at codon 330 of the SLC33A1 protein (p.Val330Ile). The valine residue is highly conserved and there is a small physicochemical difference between valine and isoleucine. This variant is not present in population databases (ExAC no frequency). This variant has not been reported in the literature in individuals with SLC33A1-related conditions. Algorithms developed to predict the effect of missense changes on protein structure and function (SIFT, PolyPhen-2, Align-GVGD) all suggest that this variant is likely to be tolerated, but these predictions have not been confirmed by published functional studies and their clinical significance is uncertain. In summary, the available evidence is currently insufficient to determine the role of this variant in disease. Therefore, it has been classified as a Variant of Uncertain Significance.